The following is an entry in ClinVar:

ClinVar aggregate classification (germline): Pathogenic. Review status: criteria provided, multiple submitters, no conflicts (2 of 4 stars). 2 submissions from 2 submitters: Pathogenic (2). Last evaluated 2025-11-13.

Conditions:
Charcot-Marie-Tooth disease axonal type 2V. Also called: CHARCOT-MARIE-TOOTH NEUROPATHY, TYPE 2V; CHARCOT-MARIE-TOOTH DISEASE, AXONAL, AUTOSOMAL DOMINANT, TYPE 2V. Identifiers: Orphanet 447964, MedGen C5569050, MONDO:0014665, OMIM 616491.
Mucopolysaccharidosis, MPS-III-B (MPS3B). Also called: MPS III B; Mucopolysaccharidosis type IIIB (Sanfilippo B); N-ACETYL-ALPHA-D-GLUCOSAMINIDASE DEFICIENCY; NAGLU DEFICIENCY; SANFILIPPO SYNDROME B; MUCOPOLYSACCHARIDOSIS, TYPE IIIB. Identifiers: Orphanet 79270, MedGen C0086648, MONDO:0009656, OMIM 252920.

Allele frequency attached by ClinVar (database versions not stated): TOPMed 0.00001; ExAC 0.00001; gnomAD exomes 0.00001.
gnomAD v4.1: 4 of 1,614,262 alleles (0.00025%); highest among the groups gnomAD compares: Admixed American, 0.0067%; no homozygotes.

Submissions (2):

Natera, Inc.
Classification: Pathogenic for Mucopolysaccharidosis type IIIB. Last evaluated: 2025-11-13. Review status: criteria provided, single submitter. Criteria: Natera Variant Classification Schema (03/2026). Collection method: clinical testing. Allele origin: germline.
Comment: The c.432G>A variant in NAGLU is a nonsense variant predicted to introduce a stop codon at amino acid 144. This variant is expected to result in nonsense mediated decay, truncation, or a dysfunctional protein product. This variant is rare in the general population with a frequency below the threshold expected for the associated phenotype(s). Functional studies show that this variant may disrupt protein function (PMID: 29979746). Given the available evidence, this variant is classified as Pathogenic.

Labcorp Genetics (formerly Invitae), Labcorp
Classification: Pathogenic for Charcot-Marie-Tooth disease axonal type 2V; Mucopolysaccharidosis, MPS-III-B. Last evaluated: 2025-10-13. Review status: criteria provided, single submitter. Criteria: Invitae Variant Classification Sherloc (09022015). Collection method: clinical testing. Allele origin: germline.
Comment: This sequence change creates a premature translational stop signal (p.Trp144*) in the NAGLU gene. It is expected to result in an absent or disrupted protein product. Loss-of-function variants in NAGLU are known to be pathogenic (PMID: 9832037, 10094189, 16151907). This variant is present in population databases (rs748042028, gnomAD 0.009%). This variant has not been reported in the literature in individuals affected with NAGLU-related conditions. ClinVar contains an entry for this variant (Variation ID: 1071435). For these reasons, this variant has been classified as Pathogenic.

Literature cited by the submitters: PubMed 29979746 (cited by Natera, Inc.); PubMed 9832037 (cited by Labcorp Genetics (formerly Invitae), Labcorp); PubMed 10094189 (cited by Labcorp Genetics (formerly Invitae), Labcorp); PubMed 16151907 (cited by Labcorp Genetics (formerly Invitae), Labcorp).

NM_000263.4(NAGLU):c.432G>A (p.Trp144Ter)

Gene: NAGLU (N-acetyl-alpha-glucosaminidase; plus strand). Cytogenetic location: 17q21.2.
Variant type: single nucleotide variant.
Coding change: c.432G>A on transcript NM_000263.4 (MANE Select); coding-DNA position 432, G replaced by A.
Protein change: p.Trp144Ter; replaces tryptophan 144 with a stop codon.
Molecular consequence: nonsense.
Genome position (GRCh38, 1-based): chr17:42,537,446, G>A. VCF-style: chr17-42537446-G-A. GRCh37 (hg19) VCF-style: chr17-40689464-G-A.
Other names: c.432G>A (NM_000263.3); short protein forms W144*.
Identifiers: ClinVar variation 1071435 (VCV001071435.8), dbSNP rs748042028, ClinGen allele CA8576766.